The following is an entry in ClinVar:

ClinVar aggregate classification (germline): Uncertain significance (1 of 4 stars; one submission).

Conditions:
Capillary infantile hemangioma. Also called: HEMANGIOMA, HEREDITARY CAPILLARY; Hemangioma, capillary infantile, somatic; Hereditary capillary infantile hemangioma. Identifiers: MedGen C1865871, MONDO:0011191, OMIM 602089.

Submission:

Clinical Genomics Laboratory, Washington University in St. Louis
Classification: Uncertain significance for Capillary infantile hemangioma. Last evaluated: 2026-03-24. Review status: criteria provided, single submitter. Criteria: ACMG Guidelines, 2015. Collection method: clinical testing. Allele origin: germline.
Comment: A KDR c.3257G>C (p.Ser1086Thr) variant was identified at a near heterozygous allelic fraction of 48.5%, a frequency which may be consistent with it being of germline origin. The KDR c.3257G>C (p.Ser1086Thr) variant, to our knowledge, has not been reported in the medical literature. This variant is absent from the general population (gnomAD v4.1.0), indicating it is not a common variant. Computational predictors indicate that the variant is damaging, evidence that correlates with impact to KDR function. Due to limited information, and based on ACMG/AMP guidelines for variant interpretation (Richards S et al., PMID: 25741868), the clinical significance of this variant is uncertain at this time.

NM_002253.4(KDR):c.3257G>C (p.Ser1086Thr)

Gene: KDR (kinase insert domain receptor; minus strand). Cytogenetic location: 4q12.
Variant type: single nucleotide variant.
Coding change: c.3257G>C on transcript NM_002253.4 (MANE Select); coding-DNA position 3257, G replaced by C.
Protein change: p.Ser1086Thr; replaces serine 1086 with threonine.
Molecular consequence: missense variant.
Genome position (GRCh38, 1-based): chr4:55,089,738, C>G on the plus strand (G>C on the coding strand, the complement: KDR is on the minus strand). VCF-style: chr4-55089738-C-G. GRCh37 (hg19) VCF-style: chr4-55955905-C-G.
Other names: short protein forms S1086T.
Identifiers: ClinVar variation 4974640 (VCV004974640.1).
Genomic context (GRCh38, chr4:55,089,738, plus strand): 5'-AGAAATGACTTACCTAAGGAAAATATTTCCCACAGCAAAACACCAAAAGACCAGACGTCA[C>G]TCTGGATTGTGTACACTCTGTCAAAAATTGTTTCTGGGGCCATCCATTTCAAAGGGAGGC-3'
Protein context (NP_002244.1, residues 1076-1096): TIFDRVYTIQ[Ser1086Thr]DVWSFGVLLW